The following is an entry in ClinVar:

NM_001017420.3(ESCO2):c.38C>A (p.Ser13Tyr)

Gene: ESCO2 (establishment of sister chromatid cohesion N-acetyltransferase 2; plus strand). Cytogenetic location: 8p21.1.
Variant type: single nucleotide variant.
Coding change: c.38C>A on transcript NM_001017420.3 (MANE Select); coding-DNA position 38, C replaced by A.
Protein change: p.Ser13Tyr; replaces serine 13 with tyrosine.
Molecular consequence: missense variant.
Genome position (GRCh38, 1-based): chr8:27,775,552, C>A. VCF-style: chr8-27775552-C-A. GRCh37 (hg19) VCF-style: chr8-27633069-C-A.
Other names: short protein forms S13Y.
Identifiers: ClinVar variation 2178491 (VCV002178491.3), dbSNP rs771125221, ClinGen allele CA4691980.

ClinVar aggregate classification (germline): Uncertain significance. Review status: criteria provided, multiple submitters, no conflicts (2 of 4 stars). 3 submissions from 3 submitters: Uncertain significance (3). Last evaluated 2024-06-10.

Conditions:
Roberts-SC phocomelia syndrome (RBS). Also called: LONG BONE DEFICIENCIES ASSOCIATED WITH CLEFT LIP-PALATE; ESCO2 Spectrum Disorder; Hypomelia hypotrichosis facial hemangioma syndrome; Pseudothalidomide syndrome; Appelt-Gerken-Lenz syndrome. Identifiers: Orphanet 3103, MedGen C0392475, MONDO:0100253, OMIM 268300.
Juberg-Hayward syndrome (JHS). Also called: OROCRANIODIGITAL SYNDROME; Cleft lip/palate with abnormal thumbs and microcephaly. Identifiers: Orphanet 2319, MedGen C0796099, MONDO:0008992, OMIM 216100.
ESCO2-related disorder. Also called: ESCO2-related condition.

Allele frequency attached by ClinVar (database versions not stated): TOPMed below 0.00001; gnomAD 0.00001; ExAC 0.00003.
gnomAD v4.1: 10 of 1,613,986 alleles (0.00062%); highest among the groups gnomAD compares: East Asian, 0.022%; no homozygotes.

Submissions (3):

Fulgent Genetics
Classification: Uncertain significance for Juberg-Hayward syndrome; Roberts-SC phocomelia syndrome. Last evaluated: 2024-06-10. Review status: criteria provided, single submitter. Criteria: ACMG Guidelines, 2015. Collection method: clinical testing. Allele origin: germline.

Daryl Scott Lab, Baylor College of Medicine
Classification: Uncertain significance for ESCO2-related disorder. Last evaluated: 2024-01-01. Review status: criteria provided, single submitter. Criteria: ACMG Guidelines, 2015. Collection method: clinical testing. Allele origin: maternal. Observed: 1 heterozygote.
Comment: PM2

Labcorp Genetics (formerly Invitae), Labcorp
Classification: Uncertain significance. Last evaluated: 2022-04-11. Review status: criteria provided, single submitter. Criteria: Invitae Variant Classification Sherloc (09022015). Collection method: clinical testing. Allele origin: germline.
Comment: This sequence change replaces serine, which is neutral and polar, with tyrosine, which is neutral and polar, at codon 13 of the ESCO2 protein (p.Ser13Tyr). This variant is present in population databases (rs771125221, gnomAD 0.07%). This variant has not been reported in the literature in individuals affected with ESCO2-related conditions. Algorithms developed to predict the effect of missense changes on protein structure and function are either unavailable or do not agree on the potential impact of this missense change (SIFT: "Deleterious"; PolyPhen-2: "Benign"; Align-GVGD: "Class C0"). In summary, the available evidence is currently insufficient to determine the role of this variant in disease. Therefore, it has been classified as a Variant of Uncertain Significance.